The following is an entry in ClinVar:

ClinVar aggregate classification (germline): Benign/Likely benign. Review status: criteria provided, multiple submitters, no conflicts (2 of 4 stars). 21 submissions from 17 submitters: Benign (16); Likely benign (1). 4 of the submissions do not count toward it. Last evaluated 2026-05-09.

Conditions:
FGFR2-related craniosynostosis. Identifiers: MedGen CN231480.
Craniosynostosis syndrome. Also called: Craniosynostosis. Identifiers: Orphanet 1531, MedGen C0010278, MeSH D003398, MONDO:0015469, HP:0001363.
Isolated Coronal Synostosis. Identifiers: MedGen CN043619.
Beare-Stevenson cutis gyrata syndrome (BSTVS). Identifiers: Orphanet 1555, MedGen C1852406, MONDO:0007412, OMIM 123790.
Crouzon syndrome. Also called: Craniofacial dysostosis type 1; CRANIOFACIAL DYSOSTOSIS, TYPE I; Craniofacial dysostosis; Crouzon craniofacial dysostosis; Crouzon disease. Identifiers: Orphanet 207, MedGen C0010273, MeSH D003394, MONDO:0007405, OMIM 123500, HP:0004439.
Saethre-Chotzen syndrome (SCS). Also called: ACROCEPHALY, SKULL ASYMMETRY, AND MILD SYNDACTYLY; ACS III; CHOTZEN SYNDROME. Identifiers: Orphanet 794, MedGen C0175699, MONDO:0007042, OMIM 101400.

Allele frequency attached by ClinVar (database versions not stated): gnomAD exomes 0.04542 and 0.01548; ExAC 0.04732; gnomAD 0.10017 and 0.10553; ESP Exome Variant Server 0.10072; TOPMed 0.11456; 1000 Genomes Project 0.12560; 1000 Genomes Project 30x 0.13148.

Submissions (21):

Women's Health and Genetics/Laboratory Corporation of America, LabCorp
Classification: Likely benign. Last evaluated: 2026-05-09. Review status: criteria provided, single submitter. Criteria: LabCorp Variant Classification Summary - May 2015. Collection method: clinical testing. Allele origin: germline.

Labcorp Genetics (formerly Invitae), Labcorp
Classification: Benign for FGFR2-related craniosynostosis. Last evaluated: 2026-02-01. Review status: criteria provided, single submitter. Criteria: Invitae Variant Classification Sherloc (09022015). Collection method: clinical testing. Allele origin: germline.

CeGaT Center for Human Genetics Tuebingen
Classification: Benign. Last evaluated: 2025-10-01. Review status: criteria provided, single submitter. Criteria: CeGaT Center For Human Genetics Tuebingen Variant Classification Criteria Version 2. Collection method: clinical testing. Allele origin: germline. Affected: yes. Observed: 1 variant allele.
Comment: FGFR2: BP4, BS1, BS2

ARUP Laboratories, Molecular Genetics and Genomics, ARUP Laboratories
Classification: Benign. Last evaluated: 2025-06-24. Review status: criteria provided, single submitter. Criteria: ARUP Molecular Germline Variant Investigation Process 2024. Collection method: clinical testing. Allele origin: germline.

Mayo Clinic Laboratories, Mayo Clinic
Classification: Benign. Last evaluated: 2023-01-31. Review status: criteria provided, single submitter. Criteria: ACMG Guidelines, 2015. Collection method: clinical testing. Allele origin: germline. Observed: 17 variant alleles.
Comment: BA1, BS2, BP4

Dubai Health Genomic Medicine Center, Dubai Health
Classification: Benign. Last evaluated: 2020-03-25. Review status: criteria provided, single submitter. Criteria: ACMG Guidelines, 2015. Collection method: clinical testing. Allele origin: germline. Affected: yes.

Athena Diagnostics
Classification: Benign. Last evaluated: 2018-05-24. Review status: criteria provided, single submitter. Criteria: Athena Diagnostics Criteria. Collection method: clinical testing. Allele origin: germline.

Illumina Laboratory Services, Illumina
Classification: Benign for Crouzon syndrome. Last evaluated: 2018-03-06. Review status: criteria provided, single submitter. Criteria: ICSL Variant Classification Criteria 13 December 2019. Collection method: clinical testing. Allele origin: germline.
Comment: This variant was observed in the ICSL laboratory as part of a predisposition screen in an ostensibly healthy population. It had not been previously curated by ICSL or reported in the Human Gene Mutation Database (HGMD: prior to June 1st, 2018), and was therefore a candidate for classification through an automated scoring system. Utilizing variant allele frequency, disease prevalence and penetrance estimates, and inheritance mode, an automated score was calculated to assess if this variant is too frequent to cause the disease. Based on the score and internal cut-off values, a variant classified as benign is not then subjected to further curation. The score for this variant resulted in a classification of benign for this disease.

Illumina Laboratory Services, Illumina
Classification: Benign for Craniosynostosis. Last evaluated: 2018-03-06. Review status: criteria provided, single submitter. Criteria: ICSL Variant Classification Criteria 13 December 2019. Collection method: clinical testing. Allele origin: germline.
Comment: the same text as in the submission from Illumina Laboratory Services, Illumina above.

Illumina Laboratory Services, Illumina
Classification: Benign for Saethre-Chotzen syndrome. Last evaluated: 2018-03-06. Review status: criteria provided, single submitter. Criteria: ICSL Variant Classification Criteria 13 December 2019. Collection method: clinical testing. Allele origin: germline.
Comment: the same text as in the submission from Illumina Laboratory Services, Illumina above.

Illumina Laboratory Services, Illumina
Classification: Benign for Beare-Stevenson cutis gyrata syndrome. Last evaluated: 2018-03-06. Review status: criteria provided, single submitter. Criteria: ICSL Variant Classification Criteria 13 December 2019. Collection method: clinical testing. Allele origin: germline.
Comment: the same text as in the submission from Illumina Laboratory Services, Illumina above.

Illumina Laboratory Services, Illumina
Classification: Benign for Isolated coronal synostosis. Last evaluated: 2018-03-06. Review status: criteria provided, single submitter. Criteria: ICSL Variant Classification Criteria 13 December 2019. Collection method: clinical testing. Allele origin: germline.
Comment: the same text as in the submission from Illumina Laboratory Services, Illumina above.

Center for Pediatric Genomic Medicine, Children's Mercy Hospital and Clinics
Classification: Benign. Last evaluated: 2016-07-22. Review status: criteria provided, single submitter. Criteria: ACMG Guidelines, 2015. Collection method: clinical testing. Allele origin: germline.

GeneDx
Classification: Benign. Last evaluated: 2016-06-06. Review status: criteria provided, single submitter. Criteria: GeneDx Variant Classification (06012015). Collection method: clinical testing. Allele origin: germline. Affected: yes.
Comment: This variant is considered likely benign or benign based on one or more of the following criteria: it is a conservative change, it occurs at a poorly conserved position in the protein, it is predicted to be benign by multiple in silico algorithms, and/or has population frequency not consistent with disease.

Eurofins Ntd Llc (ga)
Classification: Benign. Last evaluated: 2015-10-04. Review status: criteria provided, single submitter. Criteria: EGL Classification Definitions 2015. Collection method: clinical testing. Allele origin: germline. Observed: 2 variant alleles, 2 homozygotes.

Breakthrough Genomics
Classification: Benign. Review status: criteria provided, single submitter. Criteria: ACMG Guidelines, 2015. Collection method: not provided. Allele origin: germline. Inheritance: Autosomal dominant inheritance. Affected: yes.

PreventionGenetics, part of Exact Sciences
Classification: Benign. Review status: criteria provided, single submitter. Criteria: ACMG Guidelines, 2015. Collection method: clinical testing. Allele origin: germline.

ITMI
No classification provided. Condition: AllHighlyPenetrant. Last evaluated: 2013-09-19. Review status: no classification provided. Collection method: reference population. Allele origin: germline. Not counted in ClinVar's aggregate classification.
Comment: Please see associated publication for description of ethnicities

Clinical Genetics DNA and cytogenetics Diagnostics Lab, Erasmus MC, Erasmus Medical Center
Classification: Benign. Review status: no assertion criteria provided. Collection method: clinical testing. Allele origin: germline. Affected: yes. Study: VKGL Data-share Consensus. Not counted in ClinVar's aggregate classification.

Genome Diagnostics Laboratory, University Medical Center Utrecht
Classification: Benign. Review status: no assertion criteria provided. Collection method: clinical testing. Allele origin: germline. Affected: yes. Study: VKGL Data-share Consensus. Not counted in ClinVar's aggregate classification.

Joint Genome Diagnostic Labs from Nijmegen and Maastricht, Radboudumc and MUMC+
Classification: Likely benign. Review status: no assertion criteria provided. Collection method: clinical testing. Allele origin: germline. Affected: yes. Study: VKGL Data-share Consensus. Not counted in ClinVar's aggregate classification.

Literature cited by the submitters: PubMed 24728327 (cited by ITMI).

NM_000141.5(FGFR2):c.557T>C (p.Met186Thr)

Gene: FGFR2 (fibroblast growth factor receptor 2; minus strand). Cytogenetic location: 10q26.13.
Variant type: single nucleotide variant.
Coding change: c.557T>C on transcript NM_000141.5 (MANE Select); coding-DNA position 557, T replaced by C.
Protein change: p.Met186Thr; replaces methionine 186 with threonine.
Molecular consequence: missense variant. On other transcripts: non-coding transcript variant (1).
Genome position (GRCh38, 1-based): chr10:121,551,357, A>G on the plus strand (T>C on the coding strand, the complement: FGFR2 is on the minus strand). VCF-style: chr10-121551357-A-G. GRCh37 (hg19) VCF-style: chr10-123310871-A-G.
Other names: c.557T>C, p.Met186Thr (NM_022970.4, NM_001144913.1, NM_001144914.1 and 2 more transcripts); c.290T>C, p.Met97Thr (NM_023029.3, NM_001144915.2, NM_001144919.2); c.212T>C, p.Met71Thr (NM_001144916.2, NM_001144918.2); short protein forms M186T, M71T, M97T.
Identifiers: ClinVar variation 134392 (VCV000134392.46), dbSNP rs755793, ClinGen allele CA159675.
Genomic context (GRCh38, chr10:121,551,357, plus strand): 5'-CCTCCAATGCGATGCTCCTGCTTAAACTCCTTCCCGTTTTTCAGCCACCGCATGGTTGGC[A>G]TTGGGTTCCCCCCGGCTGGGCAGCGAAACTTGACAGTGTTGGCCGCAGGCACAGCATGGA-3'
Protein context (NP_000132.3, residues 176-196): KFRCPAGGNP[Met186Thr]PTMRWLKNGK